The following is an entry in ClinVar:

NM_005562.3(LAMC2):c.2738del (p.Gly913fs)

Gene: LAMC2 (laminin subunit gamma 2; plus strand). Cytogenetic location: 1q25.3.
Variant type: Deletion.
Coding change: c.2738del on transcript NM_005562.3 (MANE Select); coding-DNA position 2738, one base deleted (G; older notation c.2738delG).
Protein change: p.Gly913fs; shifts the reading frame from glycine 913.
Molecular consequence: frameshift variant.
Genome position (GRCh38, 1-based): chr1:183,237,488, G deleted; the last of 2 consecutive G bases (chr1:183,237,487-183,237,488); deleting either gives the same sequence. VCF-style (leftmost placement, unchanged base first): chr1-183237486-TG-T. GRCh37 (hg19) VCF-style: chr1-183206621-TG-T.
Other names: c.2738del, p.Gly913fs (NM_018891.3); short protein forms G913fs.
Identifiers: ClinVar variation 1725192 (VCV001725192.2), dbSNP rs2526118497, ClinGen allele CA2580061615.

ClinVar aggregate classification (germline): Likely pathogenic (1 of 4 stars; one submission).

Conditions:
Junctional epidermolysis bullosa gravis of Herlitz. Also called: EPIDERMOLYSIS BULLOSA JUNCTIONALIS, HERLITZ TYPE; EPIDERMOLYSIS BULLOSA, JUNCTIONAL, HERLITZ-PEARSON TYPE; JEB-HERLITZ TYPE; EPIDERMOLYSIS BULLOSA, JUNCTIONAL 1B, SEVERE; Epidermolysis Bullosa Letalis; Herlitz-type junctional epidermolysis bullosa. Identifiers: Orphanet 79404, MedGen C0079683, MONDO:0009182, OMIM 226700.

Submission:

Myriad Genetics, Inc.
Classification: Likely pathogenic for Junctional epidermolysis bullosa gravis of Herlitz. Last evaluated: 2021-12-01. Review status: criteria provided, single submitter. Criteria: Myriad Women's Health Autosomal Recessive and X-Linked Classification Criteria (2021). Collection method: clinical testing. Allele origin: unknown.
Comment: NM_005562.2(LAMC2):c.2738delG(G913Efs*26) is expected to be pathogenic in the context of junctional epidermolysis bullosa, LAMC2-related. This variant is predicted to lead to an abnormal or absent protein product due to the creation of a premature termination codon in LAMC2, a gene where loss-of-function variants are known to be pathogenic. Please note: this variant was assessed in the context of healthy population screening.